The following is an entry in ClinVar:

ClinVar aggregate classification (germline): Uncertain significance (1 of 4 stars; one submission).

Conditions:
Hereditary nonpolyposis colorectal neoplasms. Identifiers: MedGen C0009405, MeSH D003123.

Submission:

Labcorp Genetics (formerly Invitae), Labcorp
Classification: Uncertain significance for Hereditary nonpolyposis colorectal neoplasms. Last evaluated: 2024-11-02. Review status: criteria provided, single submitter. Criteria: Invitae Variant Classification Sherloc (09022015). Collection method: clinical testing. Allele origin: germline.
Comment: This sequence change replaces glutamine, which is neutral and polar, with lysine, which is basic and polar, at codon 232 of the MSH6 protein (p.Gln232Lys). This variant is not present in population databases (gnomAD no frequency). This variant has not been reported in the literature in individuals affected with MSH6-related conditions. Invitae Evidence Modeling of protein sequence and biophysical properties (such as structural, functional, and spatial information, amino acid conservation, physicochemical variation, residue mobility, and thermodynamic stability) indicates that this missense variant is not expected to disrupt MSH6 protein function with a negative predictive value of 95%. In summary, the available evidence is currently insufficient to determine the role of this variant in disease. Therefore, it has been classified as a Variant of Uncertain Significance.

NM_000179.3(MSH6):c.694C>A (p.Gln232Lys)

Gene: MSH6 (mutS homolog 6; plus strand). Cytogenetic location: 2p16.3.
Variant type: single nucleotide variant.
Coding change: c.694C>A on transcript NM_000179.3 (MANE Select); coding-DNA position 694, C replaced by A.
Protein change: p.Gln232Lys; replaces glutamine 232 with lysine.
Molecular consequence: missense variant. On other transcripts: non-coding transcript variant (4), intron variant (1), 5 prime UTR variant (9).
Genome position (GRCh38, 1-based): chr2:47,798,677, C>A. VCF-style: chr2-47798677-C-A. GRCh37 (hg19) VCF-style: chr2-48025816-C-A.
Other names: c.628-1989C>A (NM_001407362.1); c.304C>A, p.Gln102Lys (NM_001281492.2); c.-213C>A (NM_001281493.2, NM_001281494.2, NM_001406811.1 and 6 more transcripts); c.790C>A, p.Gln264Lys (NM_001406795.1, NM_001406802.1); c.694C>A, p.Gln232Lys (NM_001406796.1, NM_001406798.1, NM_001406800.1 and 4 more transcripts); c.397C>A, p.Gln133Lys (NM_001406797.1, NM_001406801.1, NM_001406805.1 and 10 more transcripts); c.169C>A, p.Gln57Lys (NM_001406799.1, NM_001406806.1, NM_001406807.1); c.616C>A, p.Gln206Lys (NM_001406804.1); and 2 more; short protein forms Q102K, Q232K, Q133K, Q176K, Q206K, Q234K, Q264K, Q57K.
Identifiers: ClinVar variation 3633913 (VCV003633913.2).